The following is an entry in ClinVar:

ClinVar aggregate classification (germline): Uncertain significance (1 of 4 stars; one submission).

Conditions:
Inborn genetic diseases. Identifiers: MedGen C0950123, MeSH D030342.

Submission:

Ambry Genetics
Classification: Uncertain significance for Inborn genetic diseases. Last evaluated: 2025-12-01. Review status: criteria provided, single submitter. Criteria: Ambry Variant Classification Scheme 2023. Collection method: clinical testing. Allele origin: germline.
Comment: The c.109_110delGCinsAA variant (also known as p.A37K), located in coding exon 1 of the GATA2 gene, results from an in-frame deletion of GC and insertion of AA at nucleotide positions 109 to 110. This results in the substitution of the alanine residue for a lysine residue at codon 37, an amino acid with dissimilar properties. This amino acid position is not well conserved in available vertebrate species. In addition, this variant is predicted to be neutral by in silico analysis (Choi Y et al. PLoS ONE. 2012; 7(10):e46688). Based on the available evidence, the clinical significance of this variant remains unclear.

NM_032638.5(GATA2):c.109_110delinsAA (p.Ala37Lys)

Gene: GATA2 (GATA binding protein 2; minus strand). Cytogenetic location: 3q21.3.
Variant type: Indel.
Coding change: c.109_110delinsAA on transcript NM_032638.5 (MANE Select); coding-DNA positions 109 to 110, GC replaced by AA.
Protein change: p.Ala37Lys; replaces alanine 37 with lysine.
Molecular consequence: missense variant.
Genome position (GRCh38, 1-based): chr3:128,486,922-128,486,923, GC replaced by TT on the plus strand (GC replaced by AA on the coding strand, the reverse complement: GATA2 is on the minus strand). VCF-style: chr3-128486922-GC-TT. GRCh37 (hg19) VCF-style: chr3-128205765-GC-TT.
Other names: c.109_110delinsAA, p.Ala37Lys (NM_001145662.1, NM_001145661.2); short protein forms A37K.
Identifiers: ClinVar variation 4620644 (VCV004620644.1).
Genomic context (GRCh38, chr3:128,486,922, plus strand): 5'-TTGCCCTGCGAGTCGAGGTGATTGAAGAAGACGTCCACCTCGTCTGGAGGCAGCAGCTGC[GC>TT]GGGTTCCATGTAGTTGTGCGCCAGGCCCGGGTGGTGTGAGTCGGGGTGCTGCGCATTCAG-3'
Protein context (NP_116027.2, residues 27-47): PGLAHNYMEP[Ala37Lys]QLLPPDEVDV